The following is an entry in ClinVar:

ClinVar aggregate classification (germline): Uncertain significance. Review status: criteria provided, multiple submitters, no conflicts (2 of 4 stars). 2 submissions from 2 submitters: Uncertain significance (2). Last evaluated 2025-02-03.

Conditions:
Aicardi-Goutieres syndrome 6 (AGS6). Identifiers: Orphanet 51, MedGen C3539013, MONDO:0014007, OMIM 615010.
Symmetrical dyschromatosis of extremities (DSH). Also called: DYSCHROMATOSIS SYMMETRICA HEREDITARIA 1; RETICULATE ACROPIGMENTATION OF DOHI; SYMMETRIC DYSCHROMATOSIS OF THE EXTREMITIES; Dyschromatosis symmetrica hereditaria. Identifiers: Orphanet 41, MedGen C0406775, MONDO:0007483, OMIM 127400.

Submissions (2):

Labcorp Genetics (formerly Invitae), Labcorp
Classification: Uncertain significance for Aicardi-Goutieres syndrome 6; Symmetrical dyschromatosis of extremities. Last evaluated: 2025-02-03. Review status: criteria provided, single submitter. Criteria: Invitae Variant Classification Sherloc (09022015). Collection method: clinical testing. Allele origin: germline.
Comment: This sequence change replaces phenylalanine, which is neutral and non-polar, with isoleucine, which is neutral and non-polar, at codon 804 of the ADAR protein (p.Phe804Ile). This variant is not present in population databases (gnomAD no frequency). This variant has not been reported in the literature in individuals affected with ADAR-related conditions. ClinVar contains an entry for this variant (Variation ID: 2112318). An algorithm developed to predict the effect of missense changes on protein structure and function outputs the following: PolyPhen-2: "Benign". The isoleucine amino acid residue is found in multiple mammalian species, which suggests that this missense change does not adversely affect protein function. In summary, the available evidence is currently insufficient to determine the role of this variant in disease. Therefore, it has been classified as a Variant of Uncertain Significance.

Blueprint Genetics
Classification: Uncertain significance. Last evaluated: 2018-09-26. Review status: criteria provided, single submitter. Criteria: ACMG Guidelines, 2015. Collection method: clinical testing. Allele origin: germline.

NM_001111.5(ADAR):c.2410T>A (p.Phe804Ile)

Gene: ADAR (adenosine deaminase RNA specific; minus strand). Cytogenetic location: 1q21.3.
Variant type: single nucleotide variant.
Coding change: c.2410T>A on transcript NM_001111.5 (MANE Select); coding-DNA position 2410, T replaced by A.
Protein change: p.Phe804Ile; replaces phenylalanine 804 with isoleucine.
Molecular consequence: missense variant.
Genome position (GRCh38, 1-based): chr1:154,590,270, A>T on the plus strand (T>A on the coding strand, the complement: ADAR is on the minus strand). VCF-style: chr1-154590270-A-T. GRCh37 (hg19) VCF-style: chr1-154562746-A-T.
Other names: c.1525T>A, p.Phe509Ile (NM_001025107.3, NM_001193495.2, NM_001365046.1 and 3 more transcripts); c.2437T>A, p.Phe813Ile (NM_001365045.1); c.2410T>A, p.Phe804Ile (NM_015840.4); c.2353T>A, p.Phe785Ile (NM_015841.4); short protein forms F813I, F509I, F785I, F804I.
Identifiers: ClinVar variation 2112318 (VCV002112318.5), dbSNP rs2526523690, ClinGen allele CA342637311.